The following is an entry in ClinVar:

NM_000138.5(FBN1):c.5628C>G (p.Cys1876Trp)

Gene: FBN1 (fibrillin 1; minus strand). Cytogenetic location: 15q21.1.
Variant type: single nucleotide variant.
Coding change: c.5628C>G on transcript NM_000138.5 (MANE Select); coding-DNA position 5628, C replaced by G.
Protein change: p.Cys1876Trp; replaces cysteine 1876 with tryptophan.
Molecular consequence: missense variant.
Genome position (GRCh38, 1-based): chr15:48,448,811, G>C on the plus strand (C>G on the coding strand, the complement: FBN1 is on the minus strand). VCF-style: chr15-48448811-G-C. GRCh37 (hg19) VCF-style: chr15-48741008-G-C.
Other names: short protein forms C1876W.
Identifiers: ClinVar variation 1475603 (VCV001475603.8), dbSNP rs2141252143, ClinGen allele CA392341857.

ClinVar aggregate classification (germline): Likely pathogenic (1 of 4 stars; one submission).

Conditions:
Marfan syndrome (MFS). Also called: MARFAN SYNDROME, TYPE I; Marfan syndrome type 1; Marfan's syndrome; Marfan syndrome, classic; FBN1-Related Marfan Syndrome. Identifiers: Orphanet 284963, Orphanet 558, MedGen C0024796, MONDO:0007947, OMIM 154700.
Familial thoracic aortic aneurysm and aortic dissection (TAAD). Also called: Thoracic aortic aneurysms and dissections. Identifiers: Orphanet 91387, MedGen C4707243, MONDO:0019625.

Submission:

Labcorp Genetics (formerly Invitae), Labcorp
Classification: Likely pathogenic for Marfan syndrome; Familial thoracic aortic aneurysm and aortic dissection. Last evaluated: 2021-07-27. Review status: criteria provided, single submitter. Criteria: Invitae Variant Classification Sherloc (09022015). Collection method: clinical testing. Allele origin: germline.
Comment: This variant has been observed in individual(s) with clinical features of FBN1-related disorders (Invitae). In summary, the currently available evidence indicates that the variant is pathogenic, but additional data are needed to prove that conclusively. Therefore, this variant has been classified as Likely Pathogenic. This variant affects a cysteine residue in the EGF-like, TGFBP or hybrid motif domains of FBN1. Cysteine residues are believed to be involved in intramolecular disulfide bridges and have been shown to be important for FBN1 protein structure (PMID: 16905551, 19349279). In addition, missense substitutions affecting cysteine residues within these domains are significantly overrepresented among patients with Marfan syndrome (PMID: 16571647, 17701892). Advanced modeling of protein sequence and biophysical properties (such as structural, functional, and spatial information, amino acid conservation, physicochemical variation, residue mobility, and thermodynamic stability) performed at Invitae indicates that this missense variant is expected to disrupt FBN1 protein function. This variant is not present in population databases (ExAC no frequency). This sequence change replaces cysteine with tryptophan at codon 1876 of the FBN1 protein (p.Cys1876Trp). The cysteine residue is highly conserved and there is a large physicochemical difference between cysteine and tryptophan.

Literature cited by the submitters: PubMed 16905551; PubMed 19349279; PubMed 16571647; PubMed 17701892.